The following is an entry in ClinVar:

ClinVar aggregate classification (germline): Likely benign (1 of 4 stars; one submission).

Allele frequency attached by ClinVar (database versions not stated): gnomAD exomes below 0.00001; TOPMed 0.00001; gnomAD 0.00006 and 0.00001; ExAC 0.00001.

Submission:

GeneDx
Classification: Likely benign. Last evaluated: 2018-02-01. Review status: criteria provided, single submitter. Criteria: GeneDx Variant Classification (06012015). Collection method: clinical testing. Allele origin: germline. Affected: yes.
Comment: This variant is considered likely benign or benign based on one or more of the following criteria: it is a conservative change, it occurs at a poorly conserved position in the protein, it is predicted to be benign by multiple in silico algorithms, and/or has population frequency not consistent with disease.

NM_001267550.2(TTN):c.56100C>T (p.Thr18700=)

Genes: TTN (titin; minus strand), TTN-AS1 (TTN antisense RNA 1; plus strand). Cytogenetic location: 2q31.2.
Variant type: single nucleotide variant.
Coding change: c.56100C>T on transcript NM_001267550.2 (MANE Select); coding-DNA position 56100, C replaced by T.
Protein change: p.Thr18700=; no amino-acid change (threonine 18700 retained).
Molecular consequence: synonymous variant.
Genome position (GRCh38, 1-based): chr2:178,599,801, G>A on the plus strand (C>T on the coding strand, the complement: TTN is on the minus strand). VCF-style: chr2-178599801-G-A. GRCh37 (hg19) VCF-style: chr2-179464528-G-A.
Other names: c.51177C>T, p.Thr17059= (NM_001256850.1); c.28905C>T, p.Thr9635= (NM_003319.4); c.48396C>T, p.Thr16132= (NM_133378.4); c.29280C>T, p.Thr9760= (NM_133432.3); c.29481C>T, p.Thr9827= (NM_133437.4).
Identifiers: ClinVar variation 515331 (VCV000515331.1), dbSNP rs774106489, ClinGen allele CA1993309.